The following is an entry in ClinVar:

ClinVar aggregate classification (germline): Likely pathogenic (1 of 4 stars; one submission).

Conditions:
Autosomal recessive nonsyndromic hearing loss 7. Also called: DEAFNESS, AUTOSOMAL RECESSIVE 11. Identifiers: Orphanet 90636, MedGen C1832978, MONDO:0010967, OMIM 600974.

Submission:

Institute of Rare Diseases, West China Hospital, Sichuan University
Classification: Likely pathogenic for Autosomal recessive nonsyndromic hearing loss 7. Last evaluated: 2025-01-09. Review status: criteria provided, single submitter. Criteria: ClinGen HL ACMG Specifications v1. Collection method: research. Allele origin: germline. Affected: yes.
Comment: PVS1;PM2_Supporting

NM_138691.3(TMC1):c.1679del (p.Asp560fs)

Gene: TMC1 (transmembrane channel like 1; plus strand). Cytogenetic location: 9q21.13.
Variant type: Deletion.
Coding change: c.1679del on transcript NM_138691.3 (MANE Select); coding-DNA position 1679, one base deleted (A; older notation c.1679delA).
Protein change: p.Asp560fs; shifts the reading frame from aspartic acid 560.
Molecular consequence: frameshift variant.
Genome position (GRCh38, 1-based): chr9:72,805,494, A deleted. VCF-style (leftmost placement, unchanged base first): chr9-72805493-GA-G. GRCh37 (hg19) VCF-style: chr9-75420409-GA-G.
Other names: short protein forms D560fs.
Identifiers: ClinVar variation 3601894 (VCV003601894.1).